The following is an entry in ClinVar:

NM_032607.3(CREB3L3):c.1333C>T (p.Pro445Ser)

Genes: CREB3L3 (cAMP responsive element binding protein 3 like 3; plus strand), LOC125371455 (Sharpr-MPRA regulatory region 11650; plus strand). Cytogenetic location: 19p13.3.
Variant type: single nucleotide variant.
Coding change: c.1333C>T on transcript NM_032607.3 (MANE Select); coding-DNA position 1333, C replaced by T.
Protein change: p.Pro445Ser; replaces proline 445 with serine.
Molecular consequence: missense variant. On other transcripts: 3 prime UTR variant (1).
Genome position (GRCh38, 1-based): chr19:4,171,916, C>T. VCF-style: chr19-4171916-C-T. GRCh37 (hg19) VCF-style: chr19-4171913-C-T.
Other names: c.1330C>T, p.Pro444Ser (NM_001271995.2); c.1327C>T, p.Pro443Ser (NM_001271996.2); c.*212C>T (NM_001271997.2); short protein forms P443S, P444S, P445S.
Identifiers: ClinVar variation 1521621 (VCV001521621.6), dbSNP rs2145146624, ClinGen allele CA403410430.

ClinVar aggregate classification (germline): Uncertain significance (1 of 4 stars; one submission).

Allele frequency attached by ClinVar (database versions not stated): gnomAD exomes below 0.00001.
gnomAD v4.1: 1 of 1,611,750 alleles (0.000062%); highest among the groups gnomAD compares: Non-Finnish European, 0.000085%; no homozygotes.

Submission:

Labcorp Genetics (formerly Invitae), Labcorp
Classification: Uncertain significance. Last evaluated: 2021-09-26. Review status: criteria provided, single submitter. Criteria: Invitae Variant Classification Sherloc (09022015). Collection method: clinical testing. Allele origin: germline.
Comment: This sequence change replaces proline with serine at codon 445 of the CREB3L3 protein (p.Pro445Ser). The proline residue is weakly conserved and there is a moderate physicochemical difference between proline and serine. This variant is not present in population databases (ExAC no frequency). This variant has not been reported in the literature in individuals affected with CREB3L3-related conditions. Algorithms developed to predict the effect of missense changes on protein structure and function output the following: SIFT: "Tolerated"; PolyPhen-2: "Possibly Damaging"; Align-GVGD: "Class C0". The serine amino acid residue is found in multiple mammalian species, which suggests that this missense change does not adversely affect protein function. In summary, the available evidence is currently insufficient to determine the role of this variant in disease. Therefore, it has been classified as a Variant of Uncertain Significance.